The following is an entry in ClinVar:

ClinVar aggregate classification (germline): Benign (0 of 4 stars; one submission).

Conditions:
MUC16-related disorder. Also called: MUC16-related condition.

Allele frequency attached by ClinVar (database versions not stated): ExAC 0.01978; gnomAD 0.06393; 1000 Genomes Project 30x 0.07495; ESP Exome Variant Server 0.06766; 1000 Genomes Project 0.06889.

Submission:

PreventionGenetics, part of Exact Sciences
Classification: Benign for MUC16-related condition. Last evaluated: 2019-03-25. Review status: no assertion criteria provided. Collection method: clinical testing. Allele origin: germline.
Comment: This variant is classified as benign based on ACMG/AMP sequence variant interpretation guidelines (Richards et al. 2015 PMID: 25741868, with internal and published modifications).

NM_001401501.2(MUC16):c.41942+6C>T

Gene: MUC16 (mucin 16, cell surface associated; minus strand). Cytogenetic location: 19p13.2.
Variant type: single nucleotide variant.
Coding change: c.41942+6C>T on transcript NM_001401501.2 (MANE Select); 6 bases into the intron after coding-DNA position 41942, C replaced by T.
Molecular consequence: intron variant.
Genome position (GRCh38, 1-based): chr19:8,882,691, G>A on the plus strand (C>T on the coding strand, the complement: MUC16 is on the minus strand). VCF-style: chr19-8882691-G-A. GRCh37 (hg19) VCF-style: chr19-8993367-G-A.
Other names: c.42368+6C>T (NM_001414686.1); c.41822+6C>T (NM_001414687.1); c.41716+6C>T (NM_024690.2).
Identifiers: ClinVar variation 3057217 (VCV003057217.2), dbSNP rs7255615, ClinGen allele CA9162721.